The following is an entry in ClinVar:

NM_001369.3(DNAH5):c.6703T>G (p.Leu2235Val)

Gene: DNAH5 (dynein axonemal heavy chain 5; minus strand). Cytogenetic location: 5p15.2.
Variant type: single nucleotide variant.
Coding change: c.6703T>G on transcript NM_001369.3 (MANE Select); coding-DNA position 6703, T replaced by G.
Protein change: p.Leu2235Val; replaces leucine 2235 with valine.
Molecular consequence: missense variant.
Genome position (GRCh38, 1-based): chr5:13,820,484, A>C on the plus strand (T>G on the coding strand, the complement: DNAH5 is on the minus strand). VCF-style: chr5-13820484-A-C. GRCh37 (hg19) VCF-style: chr5-13820593-A-C.
Other names: p.Leu2235Val; short protein forms L2235V.
Identifiers: ClinVar variation 238984 (VCV000238984.30), dbSNP rs115109673, ClinGen allele CA3203295.

ClinVar aggregate classification (germline): Benign/Likely benign. Review status: criteria provided, multiple submitters, no conflicts (2 of 4 stars). 9 submissions from 9 submitters: Benign (4); Likely benign (4). 1 of the submissions does not count toward it. Last evaluated 2026-01-28.

Conditions:
Primary ciliary dyskinesia 3. Identifiers: Orphanet 244, MedGen C1837618, MONDO:0012085, OMIM 608644.
Primary ciliary dyskinesia. Also called: Ciliary dyskinesia. Identifiers: Orphanet 244, MedGen C0008780, MONDO:0016575, HP:0012265.

Allele frequency attached by ClinVar (database versions not stated): gnomAD exomes 0.00088 and 0.00224; ExAC 0.00271; 1000 Genomes Project 0.00799; gnomAD 0.00884 and 0.00961; 1000 Genomes Project 30x 0.00906; TOPMed 0.00993; ESP Exome Variant Server 0.01015.
gnomAD v4.1: 2,649 of 1,614,046 alleles (0.16%); highest among the groups gnomAD compares: African/African-American, 3.2%; 41 homozygotes.

Submissions (9):

Labcorp Genetics (formerly Invitae), Labcorp
Classification: Benign for Primary ciliary dyskinesia. Last evaluated: 2026-01-28. Review status: criteria provided, single submitter. Criteria: Invitae Variant Classification Sherloc (09022015). Collection method: clinical testing. Allele origin: germline.

GeneDx
Classification: Likely benign. Last evaluated: 2022-11-15. Review status: criteria provided, single submitter. Criteria: GeneDx Variant Classification Process June 2021. Collection method: clinical testing. Allele origin: germline. Affected: yes.
Comment: See Variant Classification Assertion Criteria.

Illumina Laboratory Services, Illumina
Classification: Likely benign for Primary ciliary dyskinesia 3. Last evaluated: 2018-01-13. Review status: criteria provided, single submitter. Criteria: ICSL Variant Classification Criteria 13 December 2019. Collection method: clinical testing. Allele origin: germline.
Comment: This variant was observed in the ICSL laboratory as part of a predisposition screen in an ostensibly healthy population. It had not been previously curated by ICSL or reported in the Human Gene Mutation Database (HGMD: prior to June 1st, 2018), and was therefore a candidate for classification through an automated scoring system. Utilizing variant allele frequency, disease prevalence and penetrance estimates, and inheritance mode, an automated score was calculated to assess if this variant is too frequent to cause the disease. Based on the score and internal cut-off values, a variant classified as likely benign is not then subjected to further curation. The score for this variant resulted in a classification of likely benign for this disease.

Center for Pediatric Genomic Medicine, Children's Mercy Hospital and Clinics
Classification: Likely benign. Last evaluated: 2017-08-28. Review status: criteria provided, single submitter. Criteria: ACMG Guidelines, 2015. Collection method: clinical testing. Allele origin: germline.

Ambry Genetics
Classification: Benign for Primary ciliary dyskinesia. Last evaluated: 2017-03-30. Review status: criteria provided, single submitter. Criteria: Ambry Variant Classification Scheme 2023. Collection method: clinical testing. Allele origin: germline.

Laboratory for Molecular Medicine, Mass General Brigham Personalized Medicine
Classification: Benign. Last evaluated: 2013-02-21. Review status: criteria provided, single submitter. Criteria: LMM Criteria. Collection method: clinical testing. Allele origin: germline. Observed: 2 variant alleles.
Comment: Leu2235Val in exon 41 of DNAH5: This variant is not expected to have clinical si gnificance because it has been identified in 3.0% (132/4406) of African American chromosomes from a broad population by the NHLBI Exome Sequencing Project (dbSNP rs115109673).

Breakthrough Genomics
Classification: Likely benign. Review status: criteria provided, single submitter. Criteria: ACMG Guidelines, 2015. Collection method: not provided. Allele origin: germline. Inheritance: Autosomal recessive inheritance. Affected: yes.

PreventionGenetics, part of Exact Sciences
Classification: Benign. Review status: criteria provided, single submitter. Criteria: ACMG Guidelines, 2015. Collection method: clinical testing. Allele origin: germline.

Natera, Inc.
Classification: Benign for Primary ciliary dyskinesia. Last evaluated: 2019-12-06. Review status: no assertion criteria provided. Collection method: clinical testing. Allele origin: germline. Not counted in ClinVar's aggregate classification.